The following is an entry in ClinVar:

ClinVar aggregate classification (germline): Uncertain significance. Review status: criteria provided, multiple submitters, no conflicts (2 of 4 stars). 2 submissions from 2 submitters: Uncertain significance (2). Last evaluated 2025-12-15.

Allele frequency attached by ClinVar (database versions not stated): TOPMed 0.00001; ExAC 0.00002; gnomAD 0.00002; gnomAD exomes 0.00002 and 0.00003.
gnomAD v4.1: 50 of 1,613,478 alleles (0.0031%); highest among the groups gnomAD compares: Non-Finnish European, 0.0041%; no homozygotes.

Submissions (2):

Ambry Genetics
Classification: Uncertain significance. Last evaluated: 2025-12-15. Review status: criteria provided, single submitter. Criteria: Ambry Variant Classification Scheme 2023. Collection method: clinical testing. Allele origin: germline.

Labcorp Genetics (formerly Invitae), Labcorp
Classification: Uncertain significance. Last evaluated: 2025-08-24. Review status: criteria provided, single submitter. Criteria: Invitae Variant Classification Sherloc (09022015). Collection method: clinical testing. Allele origin: germline.
Comment: This sequence change replaces glycine, which is neutral and non-polar, with alanine, which is neutral and non-polar, at codon 5 of the SIAE protein (p.Gly5Ala). This variant is present in population databases (rs748825328, gnomAD 0.005%). This variant has not been reported in the literature in individuals affected with SIAE-related conditions. ClinVar contains an entry for this variant (Variation ID: 1403392). An algorithm developed to predict the effect of missense changes on protein structure and function (PolyPhen-2) suggests that this variant is likely to be tolerated. In summary, the available evidence is currently insufficient to determine the role of this variant in disease. Therefore, it has been classified as a Variant of Uncertain Significance.

NM_170601.5(SIAE):c.14G>C (p.Gly5Ala)

Gene: SIAE (sialic acid acetylesterase; minus strand). Cytogenetic location: 11q24.2.
Variant type: single nucleotide variant.
Coding change: c.14G>C on transcript NM_170601.5 (MANE Select); coding-DNA position 14, G replaced by C.
Protein change: p.Gly5Ala; replaces glycine 5 with alanine.
Molecular consequence: missense variant. On other transcripts: intron variant (1).
Genome position (GRCh38, 1-based): chr11:124,673,695, C>G on the plus strand (G>C on the coding strand, the complement: SIAE is on the minus strand). VCF-style: chr11-124673695-C-G. GRCh37 (hg19) VCF-style: chr11-124543591-C-G.
Other names: c.-39+1563G>C (NM_001199922.2); c.14G>C (NM_170601.4); short protein forms G5A.
Identifiers: ClinVar variation 1403392 (VCV001403392.8), dbSNP rs748825328, ClinGen allele CA6341693.